The following is an entry in ClinVar:

ClinVar aggregate classification (germline): Uncertain significance (1 of 4 stars; one submission).

Conditions:
Inborn genetic diseases. Identifiers: MedGen C0950123, MeSH D030342.

Submission:

Ambry Genetics
Classification: Uncertain significance for Inborn genetic diseases. Last evaluated: 2021-03-26. Review status: criteria provided, single submitter. Criteria: Ambry Variant Classification Scheme 2023. Collection method: clinical testing. Allele origin: germline.
Comment: The c.2205G>C (p.M735I) alteration is located in exon 17 (coding exon 16) of the FGFR2 gene. This alteration results from a G to C substitution at nucleotide position 2205, causing the methionine (M) at amino acid position 735 to be replaced by an isoleucine (I). The p.M735I alteration is predicted to be tolerated by in silico analysis. Based on insufficient or conflicting evidence, the clinical significance of this alteration remains unclear.

NM_000141.5(FGFR2):c.2205G>C (p.Met735Ile)

Gene: FGFR2 (fibroblast growth factor receptor 2; minus strand). Cytogenetic location: 10q26.13.
Variant type: single nucleotide variant.
Coding change: c.2205G>C on transcript NM_000141.5 (MANE Select); coding-DNA position 2205, G replaced by C.
Protein change: p.Met735Ile; replaces methionine 735 with isoleucine.
Molecular consequence: missense variant. On other transcripts: non-coding transcript variant (1).
Genome position (GRCh38, 1-based): chr10:121,483,794, C>G on the plus strand (G>C on the coding strand, the complement: FGFR2 is on the minus strand). VCF-style: chr10-121483794-C-G. GRCh37 (hg19) VCF-style: chr10-123243308-C-G.
Other names: c.2208G>C, p.Met736Ile (NM_001144913.1, NM_022970.4); c.1869G>C, p.Met623Ile (NM_001144914.1); c.1938G>C, p.Met646Ile (NM_001144915.2, NM_023029.3); c.1860G>C, p.Met620Ile (NM_001144916.2); c.1857G>C, p.Met619Ile (NM_001144917.2); c.1854G>C, p.Met618Ile (NM_001144918.2); c.1941G>C, p.Met647Ile (NM_001144919.2); c.1521G>C, p.Met507Ile (NM_001320654.2); and 1 more; short protein forms M620I, M735I, M733I, M507I, M619I, M646I, M618I, M623I.
Identifiers: ClinVar variation 2229712 (VCV002229712.2), dbSNP rs1432567715, ClinGen allele CA378311117.